The following is an entry in ClinVar:

ClinVar aggregate classification (germline): Uncertain significance (1 of 4 stars; one submission).

Allele frequency attached by ClinVar (database versions not stated): TOPMed below 0.00001; ExAC 0.00001; gnomAD 0.00001; ESP Exome Variant Server 0.00008.
gnomAD v4.1: 3 of 1,613,486 alleles (0.00019%); highest among the groups gnomAD compares: African/African-American, 0.004%; no homozygotes.

Submission:

GeneDx
Classification: Uncertain significance. Last evaluated: 2023-01-18. Review status: criteria provided, single submitter. Criteria: GeneDx Variant Classification Process June 2021. Collection method: clinical testing. Allele origin: germline. Affected: yes.
Comment: Not observed at significant frequency in large population cohorts (gnomAD); In silico analysis supports that this missense variant does not alter protein structure/function; Has not been previously published as pathogenic or benign to our knowledge; Not located in the triple helical region, where the majority of pathogenic missense variants occur (Symoens et al., 2012; HGMD); This variant is associated with the following publications: (PMID: 22696272)

NM_000393.5(COL5A2):c.305G>A (p.Gly102Asp)

Gene: COL5A2 (collagen type V alpha 2 chain; minus strand). Cytogenetic location: 2q32.2.
Variant type: single nucleotide variant.
Coding change: c.305G>A on transcript NM_000393.5 (MANE Select); coding-DNA position 305, G replaced by A.
Protein change: p.Gly102Asp; replaces glycine 102 with aspartic acid.
Molecular consequence: missense variant.
Genome position (GRCh38, 1-based): chr2:189,110,242, C>T on the plus strand (G>A on the coding strand, the complement: COL5A2 is on the minus strand). VCF-style: chr2-189110242-C-T. GRCh37 (hg19) VCF-style: chr2-189974968-C-T.
Other names: short protein forms G102D.
Identifiers: ClinVar variation 2573954 (VCV002573954.1), dbSNP rs151146283, ClinGen allele CA2023157.